The following is an entry in ClinVar:

ClinVar aggregate classification (germline): Uncertain significance (1 of 4 stars; one submission).

Conditions:
Retinoblastoma (RB1). Also called: RETINOBLASTOMA, SOMATIC. Identifiers: Orphanet 790, MedGen C0035335, MeSH D012175, MONDO:0008380, OMIM 180200, HP:0009919. Disease mechanism: loss of function. Inheritance: Both sporadic and heritable forms are tested..

Submission:

Labcorp Genetics (formerly Invitae), Labcorp
Classification: Uncertain significance for Retinoblastoma. Last evaluated: 2025-05-12. Review status: criteria provided, single submitter. Criteria: Invitae Variant Classification Sherloc (09022015). Collection method: clinical testing. Allele origin: germline.
Comment: This sequence change replaces serine, which is neutral and polar, with asparagine, which is neutral and polar, at codon 260 of the RB1 protein (p.Ser260Asn). This variant is not present in population databases (gnomAD no frequency). This variant has not been reported in the literature in individuals affected with RB1-related conditions. ClinVar contains an entry for this variant (Variation ID: 2887151). Invitae Evidence Modeling of protein sequence and biophysical properties (such as structural, functional, and spatial information, amino acid conservation, physicochemical variation, residue mobility, and thermodynamic stability) has been performed for this missense variant. However, the output from this modeling did not meet the statistical confidence thresholds required to predict the impact of this variant on RB1 protein function. In summary, the available evidence is currently insufficient to determine the role of this variant in disease. Therefore, it has been classified as a Variant of Uncertain Significance.

NM_000321.3(RB1):c.779G>A (p.Ser260Asn)

Gene: RB1 (RB transcriptional corepressor 1; plus strand). Cytogenetic location: 13q14.2.
Variant type: single nucleotide variant.
Coding change: c.779G>A on transcript NM_000321.3 (MANE Select); coding-DNA position 779, G replaced by A.
Protein change: p.Ser260Asn; replaces serine 260 with asparagine.
Molecular consequence: missense variant.
Genome position (GRCh38, 1-based): chr13:48,362,875, G>A. VCF-style: chr13-48362875-G-A. GRCh37 (hg19) VCF-style: chr13-48937011-G-A.
Other names: c.779G>A, p.Ser260Asn (NM_001407165.1, NM_001407166.1); short protein forms S260N.
Identifiers: ClinVar variation 2887151 (VCV002887151.3), dbSNP rs1342634687, ClinGen allele CA388159409.